The following is an entry in ClinVar:

ClinVar aggregate classification (germline): Benign/Likely benign. Review status: criteria provided, multiple submitters, no conflicts (2 of 4 stars). 2 submissions from 2 submitters: Benign (1); Likely benign (1). Last evaluated 2025-12-03.

Conditions:
Multiple congenital anomalies-hypotonia-seizures syndrome 2 (MCAHS2). Also called: EPILEPTIC ENCEPHALOPATHY, EARLY INFANTILE, 20; GLYCOSYLPHOSPHATIDYLINOSITOL BIOSYNTHESIS DEFECT 4. Identifiers: Orphanet 300496, MedGen C3275508, MONDO:0010466, OMIM 300868.

Allele frequency attached by ClinVar (database versions not stated): ExAC 0.00001; gnomAD 0.00002; gnomAD exomes 0.00003 and 0.00004; TOPMed 0.00004.

Submissions (2):

Labcorp Genetics (formerly Invitae), Labcorp
Classification: Benign for Multiple congenital anomalies-hypotonia-seizures syndrome 2. Last evaluated: 2025-12-03. Review status: criteria provided, single submitter. Criteria: Invitae Variant Classification Sherloc (09022015). Collection method: clinical testing. Allele origin: germline.

GeneDx
Classification: Likely benign. Last evaluated: 2019-12-04. Review status: criteria provided, single submitter. Criteria: GeneDx Variant Classification Process June 2021. Collection method: clinical testing. Allele origin: germline. Affected: yes.
Comment: In silico analysis, which includes protein predictors and evolutionary conservation, supports that this variant does not alter protein structure/function; Has not been previously published as pathogenic or benign to our knowledge

NM_002641.4(PIGA):c.307G>A (p.Ala103Thr)

Gene: PIGA (phosphatidylinositol glycan anchor biosynthesis class A; minus strand). Cytogenetic location: Xp22.2.
Variant type: single nucleotide variant.
Coding change: c.307G>A on transcript NM_002641.4 (MANE Select); coding-DNA position 307, G replaced by A.
Protein change: p.Ala103Thr; replaces alanine 103 with threonine.
Molecular consequence: missense variant. On other transcripts: non-coding transcript variant (1), intron variant (1).
Genome position (GRCh38, 1-based): chrX:15,331,624, C>T on the plus strand (G>A on the coding strand, the complement: PIGA is on the minus strand). VCF-style: chrX-15331624-C-T. GRCh37 (hg19) VCF-style: chrX-15349746-C-T.
Other names: c.13+3877G>A (NM_020473.3); short protein forms A103T.
Identifiers: ClinVar variation 450374 (VCV000450374.11), dbSNP rs777795093, ClinGen allele CA10354168.